The following is an entry in ClinVar:

NM_004589.4(SCO1):c.172_173delinsTT (p.Pro58Phe)

Genes: SCO1 (synthesis of cytochrome C oxidase 1; minus strand), LOC112529895 (Sharpr-MPRA regulatory region 5903; plus strand). Cytogenetic location: 17p13.1.
Variant type: Indel.
Coding change: c.172_173delinsTT on transcript NM_004589.4 (MANE Select); coding-DNA positions 172 to 173, CC replaced by TT.
Protein change: p.Pro58Phe; replaces proline 58 with phenylalanine.
Molecular consequence: missense variant.
Genome position (GRCh38, 1-based): chr17:10,697,335-10,697,336, GG replaced by AA on the plus strand (CC replaced by TT on the coding strand, the reverse complement: SCO1 is on the minus strand). VCF-style: chr17-10697335-GG-AA. GRCh37 (hg19) VCF-style: chr17-10600652-GG-AA.
Other names: short protein forms P58F.
Identifiers: ClinVar variation 1467602 (VCV001467602.8), dbSNP rs2151459444, ClinGen allele CA2573153028.
Genomic context (GRCh38, chr17:10,697,335, plus strand): 5'-TGCGACCACGGGGGTGGCGGCCTCGCAGTGCTGAGGGGCCGGGTTCCCAGGCAATAGCCA[GG>AA]GCGCCCCGAGGCACGCCACGCCTCCGCTTGCCGCGCGCAGAACTGCCTCAGCAAGACTCT-3'
Protein context (NP_004580.1, residues 48-68): QAEAWRASGR[Pro58Phe]GYCLGTRPLS

ClinVar aggregate classification (germline): Uncertain significance (1 of 4 stars; one submission).

Submission:

Labcorp Genetics (formerly Invitae), Labcorp
Classification: Uncertain significance. Last evaluated: 2021-12-03. Review status: criteria provided, single submitter. Criteria: Invitae Variant Classification Sherloc (09022015). Collection method: clinical testing. Allele origin: germline.
Comment: This sequence change replaces proline, which is neutral and non-polar, with phenylalanine, which is neutral and non-polar, at codon 58 of the SCO1 protein (p.Pro58Phe). Information on the frequency of this variant in the gnomAD database is not available, as this variant may be reported differently in the database. This variant has not been reported in the literature in individuals affected with SCO1-related conditions. Algorithms developed to predict the effect of missense changes on protein structure and function are either unavailable or do not agree on the potential impact of this missense change (SIFT: "Not Available"; PolyPhen-2: "Benign"; Align-GVGD: "Not Available"). In summary, the available evidence is currently insufficient to determine the role of this variant in disease. Therefore, it has been classified as a Variant of Uncertain Significance.